The following is an entry in ClinVar:

ClinVar aggregate classification (germline): Uncertain significance (0 of 4 stars; one submission).

gnomAD v4.1: 1 of 1,554,730 alleles (0.000064%); no homozygotes.

Submission:

Martin Pollak Laboratory,  Beth Israel Deaconess Medical Center
Classification: Uncertain significance. Review status: no assertion criteria provided. Collection method: not provided. Allele origin: unknown.
Comment: Lower UCa2+ group
ClinVar note: Converted during submission from unknown to Uncertain significance.

NM_022042.4(SLC26A1):c.1509C>T (p.Gly503=)

Genes: IDUA (alpha-L-iduronidase; plus strand), SLC26A1 (solute carrier family 26 member 1; minus strand). Cytogenetic location: 4p16.3.
Variant type: single nucleotide variant.
Coding change: c.1509C>T on transcript NM_022042.4 (MANE Select); coding-DNA position 1509, C replaced by T.
Protein change: p.Gly503=; no amino-acid change (glycine 503 retained).
Molecular consequence: synonymous variant. On other transcripts: intron variant (2).
Genome position (GRCh38, 1-based): chr4:989,430, G>A on the plus strand (C>T on the coding strand, the complement: SLC26A1 is on the minus strand). VCF-style: chr4-989430-G-A. GRCh37 (hg19) VCF-style: chr4-983218-G-A.
Other names: c.1509C>T, p.Gly503= (NM_213613.4); c.576+1698C>T (NM_134425.4); c.299+1481G>A (NM_000203.5).
Identifiers: ClinVar variation 64582 (VCV000064582.2), dbSNP rs387907479, ClinGen allele CA216447.